The following is an entry in ClinVar:

NM_025137.4(SPG11):c.852_856del (p.Asn284fs)

Gene: SPG11 (SPG11 vesicle trafficking associated, spatacsin; minus strand). Cytogenetic location: 15q21.1.
Variant type: Microsatellite.
Coding change: c.852_856del on transcript NM_025137.4 (MANE Select); coding-DNA positions 852 to 856, 5 bases deleted (CTTAA; older notation c.852_856delCTTAA).
Protein change: p.Asn284fs; shifts the reading frame from asparagine 284.
Molecular consequence: frameshift variant.
Genome position (GRCh38, 1-based): chr15:44,657,108-44,657,112, TTAAG deleted on the plus strand (CTTAA on the coding strand, the reverse complement: SPG11 is on the minus strand); deleting any 5 consecutive bases within chr15:44,657,108-44,657,117 gives the same sequence; the c. name uses the placement nearest the transcript's 3' end. VCF-style (leftmost placement, unchanged base first): chr15-44657107-TTTAAG-T. GRCh37 (hg19) VCF-style: chr15-44949305-TTTAAG-T.
Other names: c.852_856del, p.Asn284fs (NM_001160227.2); short protein forms N284fs.
Identifiers: ClinVar variation 645925 (VCV000645925.9), dbSNP rs1595935001, ClinGen allele CA915946651.
Genomic context (GRCh38, chr15:44,657,107, plus strand): 5'-TCAGTCTAACTATTTACCTCAAATTAGAAACTGCAGTCATCTACATACCTGAAATACAAA[TTTAAG>T]TTAAGAGCAACTGCGGAGTTGGAGGAGCTGACAATCACTGCAACATCGAGGTCTTGAGAA-3'

ClinVar aggregate classification (germline): Pathogenic. Review status: criteria provided, single submitter (1 of 4 stars). 2 submissions from 2 submitters: Pathogenic (1). 1 of the submissions does not count toward it. Last evaluated 2022-11-01.

Conditions:
Hereditary spastic paraplegia 11. Also called: SPASTIC PARAPLEGIA, AUTOSOMAL RECESSIVE, COMPLICATED, WITH THIN CORPUS CALLOSUM; SPASTIC PARAPLEGIA, AUTOSOMAL RECESSIVE, WITH MENTAL IMPAIRMENT AND THIN CORPUS CALLOSUM; Spastic Paraplegia 11; Nakamura Osame syndrome; Autosomal recessive hereditary spastic paraplegia, mental impairment, and thin corpus callosum; Spastic paraplegia, mental retardation and thin corpus callosum. Identifiers: Orphanet 2822, MedGen C1858479, MONDO:0011445, OMIM 604360.

Submissions (2):

Labcorp Genetics (formerly Invitae), Labcorp
Classification: Pathogenic for Hereditary spastic paraplegia 11. Last evaluated: 2022-11-01. Review status: criteria provided, single submitter. Criteria: Invitae Variant Classification Sherloc (09022015). Collection method: clinical testing. Allele origin: germline.
Comment: For these reasons, this variant has been classified as Pathogenic. ClinVar contains an entry for this variant (Variation ID: 645925). This premature translational stop signal has been observed in individual(s) with spastic paraplegia (PMID: 27217339). This variant is not present in population databases (gnomAD no frequency). This sequence change creates a premature translational stop signal (p.Asn284Lysfs*14) in the SPG11 gene. It is expected to result in an absent or disrupted protein product. Loss-of-function variants in SPG11 are known to be pathogenic (PMID: 19105190, 20110243, 22154821, 26556829).

Clinical Genetics Laboratory, University Hospital Schleswig-Holstein
Classification: Pathogenic for Hereditary spastic paraplegia 11. Last evaluated: 2024-01-30. Review status: no assertion criteria provided. Collection method: clinical testing. Allele origin: maternal. Affected: yes. Not counted in ClinVar's aggregate classification.

Literature cited by the submitters: PubMed 27217339 (cited by Labcorp Genetics (formerly Invitae), Labcorp); PubMed 19105190 (cited by Labcorp Genetics (formerly Invitae), Labcorp); PubMed 20110243 (cited by Labcorp Genetics (formerly Invitae), Labcorp); PubMed 22154821 (cited by Labcorp Genetics (formerly Invitae), Labcorp); PubMed 26556829 (cited by Labcorp Genetics (formerly Invitae), Labcorp).